The following is an entry in ClinVar:

NM_006767.4(LZTR1):c.26G>T (p.Gly9Val)

Genes: LZTR1 (leucine zipper like post translational regulator 1; plus strand), LOC130067016 (ATAC-STARR-seq lymphoblastoid silent region 13504; plus strand). Cytogenetic location: 22q11.21.
Variant type: single nucleotide variant.
Coding change: c.26G>T on transcript NM_006767.4 (MANE Select); coding-DNA position 26, G replaced by T.
Protein change: p.Gly9Val; replaces glycine 9 with valine.
Molecular consequence: missense variant.
Genome position (GRCh38, 1-based): chr22:20,982,397, G>T. VCF-style: chr22-20982397-G-T. GRCh37 (hg19) VCF-style: chr22-21336686-G-T.
Other names: short protein forms G9V.
Identifiers: ClinVar variation 1192247 (VCV001192247.17), dbSNP rs756485244, ClinGen allele CA10118270.

ClinVar aggregate classification (germline): Conflicting classifications of pathogenicity. Review status: criteria provided, conflicting classifications (1 of 4 stars). 4 submissions from 4 submitters: Uncertain significance (3); Likely benign (1). Last evaluated 2026-08-31.

Conditions:
Hereditary cancer-predisposing syndrome. Also called: Neoplastic Syndromes, Hereditary; Hereditary Cancer Syndrome; Hereditary neoplastic syndrome; Tumor predisposition. Identifiers: Orphanet 140162, MedGen C0027672, MeSH D009386, MONDO:0015356.
Cardiovascular phenotype. Identifiers: MedGen CN230736.

Allele frequency attached by ClinVar (database versions not stated): 1000 Genomes Project 30x 0.00016.
gnomAD v4.1: 66 of 1,560,822 alleles (0.0042%); highest among the groups gnomAD compares: Middle Eastern, 0.017%; 1 homozygote.

Submissions (4):

GeneDx
Classification: Uncertain significance. Last evaluated: 2026-08-31. Review status: criteria provided, single submitter. Criteria: GeneDx Variant Classification Process June 2021. Collection method: clinical testing. Allele origin: germline.
Comment: In silico analysis suggests that this missense variant does not alter protein structure/function; This variant is associated with the following publications: (PMID: 40127276)

Labcorp Genetics (formerly Invitae), Labcorp
Classification: Uncertain significance. Last evaluated: 2026-02-03. Review status: criteria provided, single submitter. Criteria: Invitae Variant Classification Sherloc (09022015). Collection method: clinical testing. Allele origin: germline.
Comment: This sequence change replaces glycine, which is neutral and non-polar, with valine, which is neutral and non-polar, at codon 9 of the LZTR1 protein (p.Gly9Val). This variant is present in population databases (rs756485244, gnomAD 0.04%). This variant has not been reported in the literature in individuals affected with LZTR1-related conditions. ClinVar contains an entry for this variant (Variation ID: 1192247). Invitae Evidence Modeling of protein sequence and biophysical properties (such as structural, functional, and spatial information, amino acid conservation, physicochemical variation, residue mobility, and thermodynamic stability) indicates that this missense variant is not expected to disrupt LZTR1 protein function with a negative predictive value of 95%. In summary, the available evidence is currently insufficient to determine the role of this variant in disease. Therefore, it has been classified as a Variant of Uncertain Significance.

Women's Health and Genetics/Laboratory Corporation of America, LabCorp
Classification: Uncertain significance. Last evaluated: 2025-03-31. Review status: criteria provided, single submitter. Criteria: LabCorp Variant Classification Summary - May 2015. Collection method: clinical testing. Allele origin: germline.
Comment: Variant summary: LZTR1 c.26G>T (p.Gly9Val) results in a non-conservative amino acid change in the encoded protein sequence. Four of five in-silico tools predict a benign effect of the variant on protein function. The variant allele was found at a frequency of 7.3e-05 in 163374 control chromosomes. Although present at a frequency higher than Autosomal Dominant Noonan Syndrome And Related Conditions, this frequency is not significantly higher than estimated for a pathogenic variant in LZTR1 causing Autosomal Recessive Noonan Syndrome 2 (7.3e-05 vs 0.0032), allowing no conclusion about variant significance. To our knowledge, no occurrence of c.26G>T in individuals affected with Noonan Syndrome 2 and no experimental evidence demonstrating its impact on protein function have been reported. ClinVar contains an entry for this variant (Variation ID: 1192247). Based on the evidence outlined above, the variant was classified as uncertain significance.

Ambry Genetics
Classification: Likely benign for Cardiovascular phenotype; Hereditary cancer-predisposing syndrome. Last evaluated: 2024-02-29. Review status: criteria provided, single submitter. Criteria: Ambry Variant Classification Scheme 2023. Collection method: clinical testing. Allele origin: germline.